The following is an entry in ClinVar:

ClinVar aggregate classification (germline): Uncertain significance. Review status: criteria provided, multiple submitters, no conflicts (2 of 4 stars). 2 submissions from 2 submitters: Uncertain significance (2). Last evaluated 2025-09-25.

Conditions:
Leber congenital amaurosis 8 (LCA8). Identifiers: Orphanet 65, MedGen C3151202, MONDO:0013453, OMIM 613835.
Retinitis pigmentosa 12 (RP12). Also called: RP WITH OR WITHOUT PPRPE; RP WITH OR WITHOUT PRESERVED PARAARTERIOLE RETINAL PIGMENT EPITHELIUM; RETINITIS PIGMENTOSA WITH OR WITHOUT PARAARTERIOLAR PRESERVATION OF RETINAL PIGMENT EPITHELIUM. Identifiers: Orphanet 791, MedGen C1838647, MONDO:0010818, OMIM 600105.
Inborn genetic diseases. Identifiers: MedGen C0950123, MeSH D030342.

Allele frequency attached by ClinVar (database versions not stated): gnomAD 0.00001; TOPMed 0.00001; ExAC 0.00002; gnomAD exomes 0.00004.
gnomAD v4.1: 61 of 1,613,526 alleles (0.0038%); highest among the groups gnomAD compares: Non-Finnish European, 0.0046%; 1 homozygote.

Submissions (2):

Ambry Genetics
Classification: Uncertain significance for Inborn genetic diseases. Last evaluated: 2025-09-25. Review status: criteria provided, single submitter. Criteria: Ambry Variant Classification Scheme 2023. Collection method: clinical testing. Allele origin: germline.

Labcorp Genetics (formerly Invitae), Labcorp
Classification: Uncertain significance for Leber congenital amaurosis 8; Retinitis pigmentosa 12. Last evaluated: 2021-08-28. Review status: criteria provided, single submitter. Criteria: Invitae Variant Classification Sherloc (09022015). Collection method: clinical testing. Allele origin: germline.
Comment: This sequence change replaces serine with phenylalanine at codon 113 of the CRB1 protein (p.Ser113Phe). The serine residue is moderately conserved and there is a large physicochemical difference between serine and phenylalanine. This variant is present in population databases (rs760083289, ExAC 0.005%). This variant has not been reported in the literature in individuals affected with CRB1-related conditions. Algorithms developed to predict the effect of missense changes on protein structure and function output the following: SIFT: "Tolerated"; PolyPhen-2: "Benign"; Align-GVGD: "Class C0". The phenylalanine amino acid residue is found in multiple mammalian species, which suggests that this missense change does not adversely affect protein function. In summary, the available evidence is currently insufficient to determine the role of this variant in disease. Therefore, it has been classified as a Variant of Uncertain Significance.

NM_201253.3(CRB1):c.338C>T (p.Ser113Phe)

Gene: CRB1 (crumbs cell polarity complex component 1; plus strand). Cytogenetic location: 1q31.3.
Variant type: single nucleotide variant.
Coding change: c.338C>T on transcript NM_201253.3 (MANE Select); coding-DNA position 338, C replaced by T.
Protein change: p.Ser113Phe; replaces serine 113 with phenylalanine.
Molecular consequence: missense variant. On other transcripts: non-coding transcript variant (2).
Genome position (GRCh38, 1-based): chr1:197,328,689, C>T. VCF-style: chr1-197328689-C-T. GRCh37 (hg19) VCF-style: chr1-197297819-C-T.
Other names: c.338C>T, p.Ser113Phe (NM_001193640.2, NM_001257966.2); c.131C>T, p.Ser44Phe (NM_001257965.2); c.338C>T (NM_201253.2); short protein forms S44F, S113F.
Identifiers: ClinVar variation 2044308 (VCV002044308.2), dbSNP rs760083289, ClinGen allele CA1311618.